The following is an entry in ClinVar:

ClinVar aggregate classification (germline): Benign (1 of 4 stars; one submission).

Submission:

CeGaT Center for Human Genetics Tuebingen
Classification: Benign. Last evaluated: 2022-04-01. Review status: criteria provided, single submitter. Criteria: CeGaT Center For Human Genetics Tuebingen Variant Classification Criteria Version 2. Collection method: clinical testing. Allele origin: germline. Affected: yes. Observed: 1 variant allele.
Comment: DSPP: BS1, BS2

NM_014208.3(DSPP):c.3618_3653del (p.1181SDS[13])

Genes: DMP1-AS1 (DMP1 and DSPP antisense RNA 1; minus strand), DSPP (dentin sialophosphoprotein; plus strand). Cytogenetic location: 4q22.1.
Variant type: Deletion.
Coding change: c.3618_3653del on transcript NM_014208.3 (MANE Select); coding-DNA positions 3618 to 3653, 36 bases deleted.
Protein change: p.1181SDS[13].
Molecular consequence: inframe deletion.
Genome position (GRCh38, 1-based): chr4:87,616,280-87,616,315, 36 bases deleted; deleting any 36 consecutive bases within chr4:87,616,275-87,616,315 gives the same sequence; the c. name uses the placement nearest the transcript's 3' end. GRCh37 (hg19): chr4:88,537,432-88,537,467.
Identifiers: ClinVar variation 2654929 (VCV002654929.24), dbSNP rs765325114, ClinGen allele CA3001824.
Genomic context (GRCh38, chr4:87,616,274, plus strand): 5'-CGACAGCAGTGATAGCAGTGACAGCAGCGACAGCAGCGATAGCAGCGACAGCAGCGATAG[TAGTGATAGCAGTGACAGCAGTGACAGCAGCGACAGC>T]AGTGACAGCAGCGACAGCAGTGACAGCAGCGACAGCAGTGACAGCAATGAAAGCAGCGAC-3'